The following is an entry in ClinVar:

NM_006254.4(PRKCD):c.1706G>A (p.Arg569His)

Gene: PRKCD (protein kinase C delta; plus strand). Cytogenetic location: 3p21.1.
Variant type: single nucleotide variant.
Coding change: c.1706G>A on transcript NM_006254.4 (MANE Select); coding-DNA position 1706, G replaced by A.
Protein change: p.Arg569His; replaces arginine 569 with histidine.
Molecular consequence: missense variant.
Genome position (GRCh38, 1-based): chr3:53,189,209, G>A. VCF-style: chr3-53189209-G-A. GRCh37 (hg19) VCF-style: chr3-53223225-G-A.
Other names: c.1706G>A, p.Arg569His (NM_001316327.2, NM_001354679.2, NM_001354680.2 and 1 more transcripts); c.1763G>A, p.Arg588His (NM_001354676.2); c.1754G>A, p.Arg585His (NM_001354678.2); short protein forms R585H, R588H, R569H.
Identifiers: ClinVar variation 1040048 (VCV001040048.5), dbSNP rs138712106, ClinGen allele CA2452257.

ClinVar aggregate classification (germline): Uncertain significance. Review status: criteria provided, multiple submitters, no conflicts (2 of 4 stars). 4 submissions from 4 submitters: Uncertain significance (4). Last evaluated 2023-12-29.

Conditions:
Autoimmune lymphoproliferative syndrome, type III caused by mutation in PRKCD. Identifiers: Orphanet 3261, Orphanet 664711, MedGen C3809928, MONDO:8000024, OMIM 615559.

Allele frequency attached by ClinVar (database versions not stated): gnomAD exomes 0.00008 and 0.00016; gnomAD 0.00009 and 0.00011; TOPMed 0.00011; ExAC 0.00017; 1000 Genomes Project 0.00020; ESP Exome Variant Server 0.00023; 1000 Genomes Project 30x 0.00031.
gnomAD v4.1: 139 of 1,613,818 alleles (0.0086%); highest among the groups gnomAD compares: South Asian, 0.025%; no homozygotes.

Submissions (4):

Blueprint Genetics
Classification: Uncertain significance. Last evaluated: 2023-12-29. Review status: criteria provided, single submitter. Criteria: ACMG Guidelines, 2015. Collection method: clinical testing. Allele origin: germline.

Department of Pathology and Laboratory Medicine, Sinai Health System
Classification: Uncertain significance for Autoimmune lymphoproliferative syndrome, type III caused by mutation in PRKCD. Last evaluated: 2023-01-25. Review status: criteria provided, single submitter. Criteria: ACMG Guidelines, 2015. Collection method: research. Allele origin: germline.

Labcorp Genetics (formerly Invitae), Labcorp
Classification: Uncertain significance for Autoimmune lymphoproliferative syndrome, type III caused by mutation in PRKCD. Last evaluated: 2022-11-01. Review status: criteria provided, single submitter. Criteria: Invitae Variant Classification Sherloc (09022015). Collection method: clinical testing. Allele origin: germline.
Comment: This sequence change replaces arginine, which is basic and polar, with histidine, which is basic and polar, at codon 569 of the PRKCD protein (p.Arg569His). This variant is present in population databases (rs138712106, gnomAD 0.2%). This variant has not been reported in the literature in individuals affected with PRKCD-related conditions. ClinVar contains an entry for this variant (Variation ID: 1040048). Algorithms developed to predict the effect of missense changes on protein structure and function are either unavailable or do not agree on the potential impact of this missense change (SIFT: "Deleterious"; PolyPhen-2: "Probably Damaging"; Align-GVGD: "Class C0"). In summary, the available evidence is currently insufficient to determine the role of this variant in disease. Therefore, it has been classified as a Variant of Uncertain Significance.

Fulgent Genetics
Classification: Uncertain significance for Autoimmune lymphoproliferative syndrome, type III caused by mutation in PRKCD. Last evaluated: 2022-03-19. Review status: criteria provided, single submitter. Criteria: ACMG Guidelines, 2015. Collection method: clinical testing. Allele origin: unknown.